The following is an entry in ClinVar:

ClinVar aggregate classification (germline): Uncertain significance (1 of 4 stars; one submission).

Conditions:
Hereditary spastic paraplegia 31. Also called: SPASTIC PARAPLEGIA 31, AUTOSOMAL DOMINANT. Identifiers: Orphanet 101011, MedGen C1853247, MONDO:0012453, OMIM 610250.

Submission:

Labcorp Genetics (formerly Invitae), Labcorp
Classification: Uncertain significance for Hereditary spastic paraplegia 31. Last evaluated: 2022-08-03. Review status: criteria provided, single submitter. Criteria: Invitae Variant Classification Sherloc (09022015). Collection method: clinical testing. Allele origin: germline.
Comment: This variant is not present in population databases (gnomAD no frequency). This variant has not been reported in the literature in individuals affected with REEP1-related conditions. Algorithms developed to predict the effect of missense changes on protein structure and function are either unavailable or do not agree on the potential impact of this missense change (SIFT: "Tolerated"; PolyPhen-2: "Possibly Damaging"; Align-GVGD: "Class C0"). In summary, the available evidence is currently insufficient to determine the role of this variant in disease. Therefore, it has been classified as a Variant of Uncertain Significance. This sequence change replaces tyrosine, which is neutral and polar, with serine, which is neutral and polar, at codon 35 of the REEP1 protein (p.Tyr35Ser).

NM_001371279.1(REEP1):c.104A>C (p.Tyr35Ser)

Gene: REEP1 (receptor accessory protein 1; minus strand). Cytogenetic location: 2p11.2.
Variant type: single nucleotide variant.
Coding change: c.104A>C on transcript NM_001371279.1 (MANE Select); coding-DNA position 104, A replaced by C.
Protein change: p.Tyr35Ser; replaces tyrosine 35 with serine.
Molecular consequence: missense variant. On other transcripts: intron variant (1).
Genome position (GRCh38, 1-based): chr2:86,282,171, T>G on the plus strand (A>C on the coding strand, the complement: REEP1 is on the minus strand). VCF-style: chr2-86282171-T-G. GRCh37 (hg19) VCF-style: chr2-86509294-T-G.
Other names: c.125A>C, p.Tyr42Ser (NM_001164730.2); c.104A>C, p.Tyr35Ser (NM_001164732.2, NM_001371280.1, NM_001410855.1 and 2 more transcripts); c.25-18130A>C (NM_001164731.2); short protein forms Y35S, Y42S.
Identifiers: ClinVar variation 1714958 (VCV001714958.5), dbSNP rs2468982803, ClinGen allele CA347722432.
Genomic context (GRCh38, chr2:86,282,171, plus strand): 5'-ACATTTCACACCTGACCTGACTCCAGCCAACCCGCTCGAAAATACACAGTGCTACTTACA[T>G]ATTCCTTAATGTCCTTTGATTTCACAGCCTTGTAGGAATAATACGCAGGGTAAAGGGTGC-3'
Protein context (NP_001358208.1, residues 25-45): KAVKSKDIKE[Tyr35Ser]VKWMMYWIIF